The following is an entry in ClinVar:

ClinVar aggregate classification (germline): Uncertain significance (1 of 4 stars; one submission).

Conditions:
Cornelia de Lange syndrome 5 (CDLS5). Also called: HDAC8-Related Cornelia de Lange Syndrome. Identifiers: Orphanet 199, MedGen C3550903, MONDO:0010471, OMIM 300882.

Submission:

Labcorp Genetics (formerly Invitae), Labcorp
Classification: Uncertain significance for Cornelia de Lange syndrome 5. Last evaluated: 2025-05-18. Review status: criteria provided, single submitter. Criteria: Invitae Variant Classification Sherloc (09022015). Collection method: clinical testing. Allele origin: germline.
Comment: This sequence change replaces leucine, which is neutral and non-polar, with phenylalanine, which is neutral and non-polar, at codon 44 of the HDAC8 protein (p.Leu44Phe). This variant is not present in population databases (gnomAD no frequency). This variant has not been reported in the literature in individuals affected with HDAC8-related conditions. Invitae Evidence Modeling of protein sequence and biophysical properties (such as structural, functional, and spatial information, amino acid conservation, physicochemical variation, residue mobility, and thermodynamic stability) indicates that this missense variant is expected to disrupt HDAC8 protein function with a positive predictive value of 80%. In summary, the available evidence is currently insufficient to determine the role of this variant in disease. Therefore, it has been classified as a Variant of Uncertain Significance.

NM_018486.3(HDAC8):c.132G>C (p.Leu44Phe)

Gene: HDAC8 (histone deacetylase 8; minus strand). Cytogenetic location: Xq13.1.
Variant type: single nucleotide variant.
Coding change: c.132G>C on transcript NM_018486.3 (MANE Select); coding-DNA position 132, G replaced by C.
Protein change: p.Leu44Phe; replaces leucine 44 with phenylalanine.
Molecular consequence: missense variant. On other transcripts: non-coding transcript variant (5).
Genome position (GRCh38, 1-based): chrX:72,572,089, C>G on the plus strand (G>C on the coding strand, the complement: HDAC8 is on the minus strand). VCF-style: chrX-72572089-C-G. GRCh37 (hg19) VCF-style: chrX-71791939-C-G.
Other names: c.132G>C, p.Leu44Phe (NM_001410730.1, NM_001441234.1, NM_001166418.2 and 8 more transcripts); short protein forms L44F.
Identifiers: ClinVar variation 4737153 (VCV004737153.1).
Genomic context (GRCh38, chrX:72,572,089, plus strand): 5'-AGGGCTATGTTCAAGAAAGACAACTTACCTCATCTGCTTATGCAGTGCATATGCTTCAAT[C>G]AAAGAATGCACCATACTGGCCTAAAAACATCAGCGTAAAAAAAAAAAAAGAAAAGCAGAA-3'
Protein context (NP_060956.1, residues 34-54): IPKRASMVHS[Leu44Phe]IEAYALHKQM